The following is an entry in ClinVar:

ClinVar aggregate classification (germline): Likely benign (1 of 4 stars; one submission).

gnomAD v4.1: 2 of 1,614,112 alleles (0.00012%); highest among the groups gnomAD compares: Non-Finnish European, 0.000085%; no homozygotes.

Submission:

CeGaT Center for Human Genetics Tuebingen
Classification: Likely benign. Last evaluated: 2026-07-01. Review status: criteria provided, single submitter. Criteria: CeGaT Center For Human Genetics Tuebingen Variant Classification Criteria Version 2. Collection method: clinical testing. Allele origin: germline. Affected: yes. Observed: 1 variant allele.
Comment: LYST: BP4

NM_000081.4(LYST):c.2660A>G (p.Lys887Arg)

Gene: LYST (lysosomal trafficking regulator; minus strand). Cytogenetic location: 1q42.3.
Variant type: single nucleotide variant.
Coding change: c.2660A>G on transcript NM_000081.4 (MANE Select); coding-DNA position 2660, A replaced by G.
Protein change: p.Lys887Arg; replaces lysine 887 with arginine.
Molecular consequence: missense variant.
Genome position (GRCh38, 1-based): chr1:235,806,476, T>C on the plus strand (A>G on the coding strand, the complement: LYST is on the minus strand). VCF-style: chr1-235806476-T-C. GRCh37 (hg19) VCF-style: chr1-235969776-T-C.
Other names: c.2660A>G, p.Lys887Arg (NM_001301365.1); short protein forms K887R.
Identifiers: ClinVar variation 5039143 (VCV005039143.1).